The following is an entry in ClinVar:

NM_018718.3(CEP41):c.642T>C (p.Tyr214=)

Gene: CEP41 (centrosomal protein 41; minus strand). Cytogenetic location: 7q32.2.
Variant type: single nucleotide variant.
Coding change: c.642T>C on transcript NM_018718.3 (MANE Select); coding-DNA position 642, T replaced by C.
Protein change: p.Tyr214=; no amino-acid change (tyrosine 214 retained).
Molecular consequence: synonymous variant. On other transcripts: non-coding transcript variant (1).
Genome position (GRCh38, 1-based): chr7:130,401,881, A>G on the plus strand (T>C on the coding strand, the complement: CEP41 is on the minus strand). VCF-style: chr7-130401881-A-G. GRCh37 (hg19) VCF-style: chr7-130041722-A-G.
Other names: c.642T>C, p.Tyr214= (NM_001257158.2); c.594T>C, p.Tyr198= (NM_001257159.2).
Identifiers: ClinVar variation 1011060 (VCV001011060.8), dbSNP rs1796853773, ClinGen allele CA457655627.

ClinVar aggregate classification (germline): Uncertain significance (1 of 4 stars; one submission).

Conditions:
Joubert syndrome 15 (JBTS15). Identifiers: Orphanet 475, MedGen C3280897, MONDO:0013763, OMIM 614464.

Allele frequency attached by ClinVar (database versions not stated): gnomAD exomes below 0.00001; TOPMed below 0.00001.
gnomAD v4.1: 1 of 1,580,704 alleles (0.000063%); highest among the groups gnomAD compares: Non-Finnish European, 0.000087%; no homozygotes.

Submission:

Labcorp Genetics (formerly Invitae), Labcorp
Classification: Uncertain significance for Joubert syndrome 15. Last evaluated: 2023-12-11. Review status: criteria provided, single submitter. Criteria: Invitae Variant Classification Sherloc (09022015). Collection method: clinical testing. Allele origin: germline.
Comment: This sequence change affects codon 214 of the CEP41 mRNA. It is a 'silent' change, meaning that it does not change the encoded amino acid sequence of the CEP41 protein. It affects a nucleotide within the consensus splice site. This variant is not present in population databases (gnomAD no frequency). This variant has not been reported in the literature in individuals affected with CEP41-related conditions. ClinVar contains an entry for this variant (Variation ID: 1011060). Algorithms developed to predict the effect of sequence changes on RNA splicing suggest that this variant is not likely to affect RNA splicing. In summary, the available evidence is currently insufficient to determine the role of this variant in disease. Therefore, it has been classified as a Variant of Uncertain Significance.